The following is an entry in ClinVar:

ClinVar aggregate classification (germline): Uncertain significance. Review status: criteria provided, multiple submitters, no conflicts (2 of 4 stars). 3 submissions from 3 submitters: Uncertain significance (3). Last evaluated 2026-02-03.

Conditions:
Cardiovascular phenotype. Identifiers: MedGen CN230736.
CACNB2-related disorder. Also called: CACNB2-related condition.
Brugada syndrome 4 (BRGDA4). Identifiers: Orphanet 130, MedGen C2678477, MONDO:0012743, OMIM 611876.

Allele frequency attached by ClinVar (database versions not stated): gnomAD 0.00001; gnomAD exomes 0.00001; ExAC 0.00004.
gnomAD v4.1: 19 of 1,603,824 alleles (0.0012%); highest among the groups gnomAD compares: South Asian, 0.0022%; no homozygotes.

Submissions (3):

PreventionGenetics, part of Exact Sciences
Classification: Uncertain significance for CACNB2-related condition. Last evaluated: 2026-02-03. Review status: criteria provided, single submitter. Criteria: ACMG Guidelines, 2015. Collection method: clinical testing. Allele origin: germline.
Comment: The CACNB2 c.1814G>A variant is predicted to result in the amino acid substitution p.Arg605His. To our knowledge, this variant has not been reported in the literature. This variant is reported in 0.0065% of alleles in individuals of African descent in gnomAD. At this time, the clinical significance of this variant is uncertain due to the absence of conclusive functional and genetic evidence.

Ambry Genetics
Classification: Uncertain significance for Cardiovascular phenotype. Last evaluated: 2024-03-16. Review status: criteria provided, single submitter. Criteria: Ambry Variant Classification Scheme 2023. Collection method: clinical testing. Allele origin: germline.
Comment: The p.R605H variant (also known as c.1814G>A), located in coding exon 13 of the CACNB2 gene, results from a G to A substitution at nucleotide position 1814. The arginine at codon 605 is replaced by histidine, an amino acid with highly similar properties. This amino acid position is conserved. In addition, this alteration is predicted to be tolerated by in silico analysis. Based on the available evidence, the clinical significance of this alteration remains unclear.

Labcorp Genetics (formerly Invitae), Labcorp
Classification: Uncertain significance for Brugada syndrome 4. Last evaluated: 2022-05-26. Review status: criteria provided, single submitter. Criteria: Invitae Variant Classification Sherloc (09022015). Collection method: clinical testing. Allele origin: germline.
Comment: In summary, the available evidence is currently insufficient to determine the role of this variant in disease. Therefore, it has been classified as a Variant of Uncertain Significance. Algorithms developed to predict the effect of missense changes on protein structure and function (SIFT, PolyPhen-2, Align-GVGD) all suggest that this variant is likely to be tolerated. This variant has not been reported in the literature in individuals affected with CACNB2-related conditions. This variant is present in population databases (rs780134367, gnomAD 0.007%). This sequence change replaces arginine, which is basic and polar, with histidine, which is basic and polar, at codon 605 of the CACNB2 protein (p.Arg605His).

NM_201596.3(CACNB2):c.1976G>A (p.Arg659His)

Gene: CACNB2 (calcium voltage-gated channel auxiliary subunit beta 2; plus strand). Cytogenetic location: 10p12.31.
Variant type: single nucleotide variant.
Coding change: c.1976G>A on transcript NM_201596.3 (MANE Select); coding-DNA position 1976, G replaced by A.
Protein change: p.Arg659His; replaces arginine 659 with histidine.
Molecular consequence: missense variant.
Genome position (GRCh38, 1-based): chr10:18,539,717, G>A. VCF-style: chr10-18539717-G-A. GRCh37 (hg19) VCF-style: chr10-18828646-G-A.
Other names: c.1811G>A, p.Arg604His (NM_000724.4); c.1778G>A, p.Arg593His (NM_001167945.2); c.1697G>A, p.Arg566His (NM_001330060.2); c.1718G>A, p.Arg573His (NM_001410882.1); c.1832G>A, p.Arg611His (NM_201570.3); c.1892G>A, p.Arg631His (NM_201571.4); c.1820G>A, p.Arg607His (NM_201572.4); c.1814G>A, p.Arg605His (NM_201590.3); and 3 more; short protein forms R611H, R635H, R604H, R659H, R573H, R631H, R566H, R593H.
Identifiers: ClinVar variation 2043019 (VCV002043019.4), dbSNP rs780134367, ClinGen allele CA5430220.